The following is an entry in ClinVar:

ClinVar aggregate classification (germline): Benign/Likely benign. Review status: criteria provided, multiple submitters, no conflicts (2 of 4 stars). 3 submissions from 3 submitters: Benign (1); Likely benign (1). 1 of the submissions does not count toward it. Last evaluated 2025-04-21.

Conditions:
SETD1B-related disorder. Also called: SETD1B-related condition.
Inborn genetic diseases. Identifiers: MedGen C0950123, MeSH D030342.

Allele frequency attached by ClinVar (database versions not stated): gnomAD exomes 0.00011; ExAC 0.00041; 1000 Genomes Project 0.00100; gnomAD 0.00102; TOPMed 0.00109; 1000 Genomes Project 30x 0.00172.
gnomAD v4.1: 294 of 1,493,092 alleles (0.02%); highest among the groups gnomAD compares: African/African-American, 0.36%; no homozygotes.

Submissions (3):

Ambry Genetics
Classification: Likely benign for Inborn genetic diseases. Last evaluated: 2025-04-21. Review status: criteria provided, single submitter. Criteria: Ambry Variant Classification Scheme 2023. Collection method: clinical testing. Allele origin: germline.

CeGaT Center for Human Genetics Tuebingen
Classification: Benign. Last evaluated: 2022-05-01. Review status: criteria provided, single submitter. Criteria: CeGaT Center For Human Genetics Tuebingen Variant Classification Criteria Version 2. Collection method: clinical testing. Allele origin: germline. Affected: yes. Observed: 2 variant alleles.
Comment: SETD1B: BS1, BS2

PreventionGenetics, part of Exact Sciences
Classification: Likely benign for SETD1B-related condition. Last evaluated: 2022-11-08. Review status: no assertion criteria provided. Collection method: clinical testing. Allele origin: germline. Not counted in ClinVar's aggregate classification.
Comment: This variant is classified as likely benign based on ACMG/AMP sequence variant interpretation guidelines (Richards et al. 2015 PMID: 25741868, with internal and published modifications).

NM_001353345.2(SETD1B):c.4802C>T (p.Pro1601Leu)

Gene: SETD1B (SET domain containing 1B, histone lysine methyltransferase; plus strand). Cytogenetic location: 12q24.31.
Variant type: single nucleotide variant.
Coding change: c.4802C>T on transcript NM_001353345.2 (MANE Select); coding-DNA position 4802, C replaced by T.
Protein change: p.Pro1601Leu; replaces proline 1601 with leucine.
Molecular consequence: missense variant.
Genome position (GRCh38, 1-based): chr12:121,823,381, C>T. VCF-style: chr12-121823381-C-T. GRCh37 (hg19) VCF-style: chr12-122261287-C-T.
Other names: NM_015048.1:c.4673C>T; short protein forms P1601L.
Identifiers: ClinVar variation 2643477 (VCV002643477.25), dbSNP rs566112237, ClinGen allele CA6839233.
Genomic context (GRCh38, chr12:121,823,381, plus strand): 5'-CCCCTCCACCACCCCTTCCCCCCCAGCCACCCCCACCCCCACCTCCCCCACCTGTAGAGC[C>T]CACCAAGCTGCCCTTTAAGGAGCTAGACAACCAGTGGCCCTCCGAGGCCATTCCTCCGGG-3'
Protein context (NP_001340274.1, residues 1591-1611): PPPPPPPPVE[Pro1601Leu]TKLPFKELDN